The following is an entry in ClinVar:

NM_017886.4(ULK4):c.1577+10G>A

Gene: ULK4 (unc-51 like kinase 4; minus strand). Cytogenetic location: 3p22.1.
Variant type: single nucleotide variant.
Coding change: c.1577+10G>A on transcript NM_017886.4 (MANE Select); 10 bases into the intron after coding-DNA position 1577, G replaced by A.
Molecular consequence: intron variant.
Genome position (GRCh38, 1-based): chr3:41,895,508, C>T on the plus strand (G>A on the coding strand, the complement: ULK4 is on the minus strand). VCF-style: chr3-41895508-C-T. GRCh37 (hg19) VCF-style: chr3-41937000-C-T.
Other names: c.671+10G>A (NM_001322501.2); c.1577+10G>A (NM_001322500.2).
Identifiers: ClinVar variation 403586 (VCV000403586.5), dbSNP rs1717003, ClinGen allele CA2332268.
Genomic context (GRCh38, chr3:41,895,508, plus strand): 5'-ATAAATATGTGCTCTGTAACTACTTAATAAAGTCATGAAAAATAATTTTTAAAATATAAA[C>T]GTTACTTACATATCCCAGTTTGGAGCTATCCGCAAATGCTGGATTAGCAATTGGAACTAG-3'

ClinVar aggregate classification (germline): Benign. Review status: criteria provided, multiple submitters, no conflicts (2 of 4 stars). 2 submissions from 2 submitters: Benign (2). Last evaluated 2016-03-29.

Allele frequency attached by ClinVar (database versions not stated): ESP Exome Variant Server 0.67305; TOPMed 0.67544; gnomAD 0.67741 and 0.68767; 1000 Genomes Project 30x 0.68488; 1000 Genomes Project 0.68810; gnomAD exomes 0.76934; ExAC 0.77850.

Submissions (2):

Laboratory for Molecular Medicine, Mass General Brigham Personalized Medicine
Classification: Benign. Last evaluated: 2016-03-29. Review status: criteria provided, single submitter. Criteria: LMM Criteria. Collection method: clinical testing. Allele origin: germline.
Comment: Variant identified in a genome or exome case(s) and assessed due to predicted null impact of the variant or pathogenic assertions in the literature or databases. Disclaimer: This variant has not undergone full assessment. The following are preliminary notes: Frequency

Breakthrough Genomics
Classification: Benign. Review status: criteria provided, single submitter. Criteria: ACMG Guidelines, 2015. Collection method: not provided. Allele origin: germline. Inheritance: Unknown mechanism. Affected: yes.